The following is an entry in ClinVar:

NM_182961.4(SYNE1):c.18769G>C (p.Glu6257Gln)

Gene: SYNE1 (spectrin repeat containing nuclear envelope protein 1; minus strand). Cytogenetic location: 6q25.2.
Variant type: single nucleotide variant.
Coding change: c.18769G>C on transcript NM_182961.4 (MANE Select); coding-DNA position 18769, G replaced by C.
Protein change: p.Glu6257Gln; replaces glutamic acid 6257 with glutamine.
Molecular consequence: missense variant.
Genome position (GRCh38, 1-based): chr6:152,268,102, C>G on the plus strand (G>C on the coding strand, the complement: SYNE1 is on the minus strand). VCF-style: chr6-152268102-C-G. GRCh37 (hg19) VCF-style: chr6-152589237-C-G.
Other names: c.18556G>C, p.Glu6186Gln (NM_033071.5); short protein forms E6186Q, E6257Q.
Identifiers: ClinVar variation 4792955 (VCV004792955.1).
Genomic context (GRCh38, chr6:152,268,102, plus strand): 5'-ATTTTGAAACATACCCAGCATCACCAGAGGTCTCTGCCGCCGAATGTTGAATTAGAATCT[C>G]CTCTCCACGACTGGCTACTGAGCGAAGGAGACTCTTCTGCTCGGCTAATTCCTGTTCTAA-3'
Protein context (NP_892006.3, residues 6247-6267): LLRSVASRGE[Glu6257Gln]ILIQHSAAET

ClinVar aggregate classification (germline): Uncertain significance (1 of 4 stars; one submission).

Conditions:
Emery-Dreifuss muscular dystrophy 4, autosomal dominant (EDMD4). Also called: EMERY-DREIFUSS MUSCULAR DYSTROPHY 4 WITH VARIABLE FEATURES. Identifiers: Orphanet 261, MedGen C2751807, MONDO:0013071, OMIM 612998.
Autosomal recessive ataxia, Beauce type. Also called: Spinocerebellar ataxia, autosomal recessive 8; ATAXIA, RECESSIVE, OF BEAUCE; SYNE1 Deficiency; SYNE1-Related Autosomal Recessive Cerebellar Ataxia. Identifiers: Orphanet 88644, MedGen C1853116, MONDO:0012549, OMIM 610743.

gnomAD v4.1: 24 of 1,614,110 alleles (0.0015%); highest among the groups gnomAD compares: South Asian, 0.023%; no homozygotes.

Submission:

Labcorp Genetics (formerly Invitae), Labcorp
Classification: Uncertain significance for Emery-Dreifuss muscular dystrophy 4, autosomal dominant; Autosomal recessive ataxia, Beauce type. Last evaluated: 2025-12-01. Review status: criteria provided, single submitter. Criteria: Invitae Variant Classification Sherloc (09022015). Collection method: clinical testing. Allele origin: germline.
Comment: This sequence change replaces glutamic acid, which is acidic and polar, with glutamine, which is neutral and polar, at codon 6186 of the SYNE1 protein (p.Glu6186Gln). This variant is present in population databases (rs551488589, gnomAD 0.03%). This variant has not been reported in the literature in individuals affected with SYNE1-related conditions. An algorithm developed to predict the effect of missense changes on protein structure and function (PolyPhen-2) suggests that this variant is likely to be disruptive. In summary, the available evidence is currently insufficient to determine the role of this variant in disease. Therefore, it has been classified as a Variant of Uncertain Significance.